The following is an entry in ClinVar:

NM_001854.4(COL11A1):c.4608+18A>G

Gene: COL11A1 (collagen type XI alpha 1 chain; minus strand). Cytogenetic location: 1p21.1.
Variant type: single nucleotide variant.
Coding change: c.4608+18A>G on transcript NM_001854.4 (MANE Select); 18 bases into the intron after coding-DNA position 4608, A replaced by G.
Molecular consequence: intron variant.
Genome position (GRCh38, 1-based): chr1:102,888,559, T>C on the plus strand (A>G on the coding strand, the complement: COL11A1 is on the minus strand). VCF-style: chr1-102888559-T-C. GRCh37 (hg19) VCF-style: chr1-103354115-T-C.
Other names: c.4491+18A>G (NM_001190709.2); c.4644+18A>G (NM_080629.3); c.4260+18A>G (NM_080630.4).
Identifiers: ClinVar variation 258467 (VCV000258467.16), dbSNP rs17127203, ClinGen allele CA973467.

ClinVar aggregate classification (germline): Benign. Review status: criteria provided, multiple submitters, no conflicts (2 of 4 stars). 8 submissions from 8 submitters: Benign (6). 2 of the submissions do not count toward it. Last evaluated 2026-05-09.

Allele frequency attached by ClinVar (database versions not stated): gnomAD 0.12045 and 0.12561; TOPMed 0.12742; ESP Exome Variant Server 0.12840; gnomAD exomes 0.13068; ExAC 0.13542; 1000 Genomes Project 30x 0.16958; 1000 Genomes Project 0.17352.
gnomAD v4.1: 194,358 of 1,607,942 alleles (12%); highest among the groups gnomAD compares: East Asian, 29%; 13,632 homozygotes.

Submissions (8):

Women's Health and Genetics/Laboratory Corporation of America, LabCorp
Classification: Benign. Last evaluated: 2026-05-09. Review status: criteria provided, single submitter. Criteria: LabCorp Variant Classification Summary - May 2015. Collection method: clinical testing. Allele origin: germline.

Labcorp Genetics (formerly Invitae), Labcorp
Classification: Benign. Last evaluated: 2026-02-04. Review status: criteria provided, single submitter. Criteria: Invitae Variant Classification Sherloc (09022015). Collection method: clinical testing. Allele origin: germline.

Blueprint Genetics
Classification: Benign. Last evaluated: 2024-11-26. Review status: criteria provided, single submitter. Criteria: ACMG Guidelines, 2015. Collection method: clinical testing. Allele origin: germline.

GeneDx
Classification: Benign. Last evaluated: 2016-10-03. Review status: criteria provided, single submitter. Criteria: GeneDx Variant Classification (06012015). Collection method: clinical testing. Allele origin: germline. Affected: yes.
Comment: This variant is considered likely benign or benign based on one or more of the following criteria: it is a conservative change, it occurs at a poorly conserved position in the protein, it is predicted to be benign by multiple in silico algorithms, and/or has population frequency not consistent with disease.

Breakthrough Genomics
Classification: Benign. Review status: criteria provided, single submitter. Criteria: ACMG Guidelines, 2015. Collection method: not provided. Allele origin: germline. Inheritance: Autosomal recessive inheritance. Affected: yes.

PreventionGenetics, part of Exact Sciences
Classification: Benign. Review status: criteria provided, single submitter. Criteria: ACMG Guidelines, 2015. Collection method: clinical testing. Allele origin: germline.

Genome Diagnostics Laboratory, Amsterdam University Medical Center
Classification: Benign. Review status: no assertion criteria provided. Collection method: clinical testing. Allele origin: germline. Affected: yes. Study: VKGL Data-share Consensus. Not counted in ClinVar's aggregate classification.

Joint Genome Diagnostic Labs from Nijmegen and Maastricht, Radboudumc and MUMC+
Classification: Benign. Review status: no assertion criteria provided. Collection method: clinical testing. Allele origin: germline. Affected: yes. Study: VKGL Data-share Consensus. Not counted in ClinVar's aggregate classification.